The following is an entry in ClinVar:

ClinVar aggregate classification (germline): Pathogenic (1 of 4 stars; one submission).

Conditions:
Neuropathy, hereditary sensory, type 2C. Also called: KIF1A-Related HSAN2 (HSAN2C); Hereditary sensory and autonomic neuropathy type IIC. Identifiers: Orphanet 970, MedGen C3280168, MONDO:0013634, OMIM 614213.
Hereditary spastic paraplegia 30. Identifiers: Orphanet 101010, MedGen C5235139, MONDO:0012476.
Intellectual disability, autosomal dominant 9 (NESCAVS). Also called: KIF1A-Related Neurodevelopmental Disorder; NESCAV SYNDROME. Identifiers: Orphanet 662367, MedGen C5393830, MONDO:0013656, OMIM 614255.

Submission:

Labcorp Genetics (formerly Invitae), Labcorp
Classification: Pathogenic for Hereditary spastic paraplegia 30; Neuropathy, hereditary sensory, type 2C; Intellectual disability, autosomal dominant 9. Last evaluated: 2025-10-16. Review status: criteria provided, single submitter. Criteria: Invitae Variant Classification Sherloc (09022015). Collection method: clinical testing. Allele origin: germline.
Comment: This sequence change replaces alanine, which is neutral and non-polar, with glutamic acid, which is acidic and polar, at codon 68 of the KIF1A protein (p.Ala68Glu). This variant is not present in population databases (gnomAD no frequency). This missense change has been observed in individual(s) with clinical features of autosomal dominant KIF1A-related conditions (internal data). In at least one individual the variant was observed to be de novo. Invitae Evidence Modeling of protein sequence and biophysical properties (such as structural, functional, and spatial information, amino acid conservation, physicochemical variation, residue mobility, and thermodynamic stability) indicates that this missense variant is expected to disrupt KIF1A protein function with a positive predictive value of 95%. For these reasons, this variant has been classified as Pathogenic.

NM_001244008.2(KIF1A):c.203C>A (p.Ala68Glu)

Gene: KIF1A (kinesin family member 1A; minus strand). Cytogenetic location: 2q37.3.
Variant type: single nucleotide variant.
Coding change: c.203C>A on transcript NM_001244008.2 (MANE Select); coding-DNA position 203, C replaced by A.
Protein change: p.Ala68Glu; replaces alanine 68 with glutamic acid.
Molecular consequence: missense variant.
Genome position (GRCh38, 1-based): chr2:240,788,211, G>T on the plus strand (C>A on the coding strand, the complement: KIF1A is on the minus strand). VCF-style: chr2-240788211-G-T. GRCh37 (hg19) VCF-style: chr2-241727628-G-T.
Other names: c.203C>A, p.Ala68Glu (NM_001320705.2, NM_001330289.2, NM_001330290.2 and 20 more transcripts); short protein forms A68E.
Identifiers: ClinVar variation 4789387 (VCV004789387.1).